The following is an entry in ClinVar:

ClinVar aggregate classification (germline): Conflicting classifications of pathogenicity. Review status: criteria provided, conflicting classifications (1 of 4 stars). 4 submissions from 4 submitters: Likely pathogenic (1); Uncertain significance (3). Last evaluated 2026-08-24.

Conditions:
SLC10A1-related disorder. Also called: SLC10A1-related condition.

gnomAD v4.1: 76 of 1,599,942 alleles (0.0048%); highest among the groups gnomAD compares: South Asian, 0.0079%; 1 homozygote.

Submissions (4):

PreventionGenetics, part of Exact Sciences
Classification: Uncertain significance for SLC10A1-related condition. Last evaluated: 2026-08-24. Review status: criteria provided, single submitter. Criteria: ACMG Guidelines, 2015. Collection method: clinical testing. Allele origin: germline.
Comment: The SLC10A1 c.754C>A variant is predicted to result in the amino acid substitution p.Arg252Ser. In vitro experimental studies using cell-based transport assays suggest this variant results in decreased transport activity, decreased protein expression, and aberrant subcellular localization (Russell et al. 2020. PubMed ID: 32101444). This variant is reported in 0.0089% of alleles in individuals of European (non-Finnish) descent in gnomAD. At this time, the clinical significance of this variant is uncertain due to the absence of conclusive functional and genetic evidence.

CeGaT Center for Human Genetics Tuebingen
Classification: Uncertain significance. Last evaluated: 2022-10-01. Review status: criteria provided, single submitter. Criteria: CeGaT Center For Human Genetics Tuebingen Variant Classification Criteria Version 2. Collection method: clinical testing. Allele origin: germline. Affected: yes. Observed: 2 variant alleles.
Comment: SLC10A1: PM2, PM5, PP4

Mayo Clinic Laboratories, Mayo Clinic
Classification: Likely pathogenic. Last evaluated: 2022-06-22. Review status: criteria provided, single submitter. Criteria: ACMG Guidelines, 2015. Collection method: clinical testing. Allele origin: germline. Observed: 1 variant allele.
Comment: PM2, PM5, PS3

Eurofins Ntd Llc (ga)
Classification: Uncertain significance. Last evaluated: 2017-05-03. Review status: criteria provided, single submitter. Criteria: EGL Classification Definitions 2015. Collection method: clinical testing. Allele origin: germline. Observed: 3 variant alleles, 3 heterozygotes.

Literature cited by the submitters: PubMed 32101444 (cited by Mayo Clinic Laboratories, Mayo Clinic).

NM_003049.4(SLC10A1):c.754C>A (p.Arg252Ser)

Gene: SLC10A1 (solute carrier family 10 member 1; minus strand). Cytogenetic location: 14q24.1.
Variant type: single nucleotide variant.
Coding change: c.754C>A on transcript NM_003049.4 (MANE Select); coding-DNA position 754, C replaced by A.
Protein change: p.Arg252Ser; replaces arginine 252 with serine.
Molecular consequence: missense variant.
Genome position (GRCh38, 1-based): chr14:69,778,522, G>T on the plus strand (C>A on the coding strand, the complement: SLC10A1 is on the minus strand). VCF-style: chr14-69778522-G-T. GRCh37 (hg19) VCF-style: chr14-70245239-G-T.
Other names: p.Arg252Ser; c.754C>A (NM_003049.3); short protein forms R252S.
Identifiers: ClinVar variation 501707 (VCV000501707.42), dbSNP rs141269120, ClinGen allele CA7245981.